The following is an entry in ClinVar:

ClinVar aggregate classification (germline): Uncertain significance. Review status: criteria provided, multiple submitters, no conflicts (2 of 4 stars). 5 submissions from 5 submitters: Uncertain significance (4). 1 of the submissions does not count toward it. Last evaluated 2024-02-12.

Conditions:
Inborn genetic diseases. Identifiers: MedGen C0950123, MeSH D030342.
Cerebral creatine deficiency syndrome. Also called: Creatine deficiency syndromes. Identifiers: Orphanet 79172, MedGen C5244016, MONDO:0000456.
Deficiency of guanidinoacetate methyltransferase (CCDS2). Also called: GAMT DEFICIENCY; Guanidinoacetate Methyltransferase (GAMT) Deficiency; CEREBRAL CREATINE DEFICIENCY SYNDROME 2. Identifiers: Orphanet 382, MedGen C0574080, MONDO:0012999, OMIM 612736.

Allele frequency attached by ClinVar (database versions not stated): gnomAD 0.00001.
gnomAD v4.1: 73 of 1,612,676 alleles (0.0045%); highest among the groups gnomAD compares: Non-Finnish European, 0.006%; no homozygotes.

Submissions (5):

Ambry Genetics
Classification: Uncertain significance for Inborn genetic diseases. Last evaluated: 2024-02-12. Review status: criteria provided, single submitter. Criteria: Ambry Variant Classification Scheme 2023. Collection method: clinical testing. Allele origin: germline.

Labcorp Genetics (formerly Invitae), Labcorp
Classification: Uncertain significance for Cerebral creatine deficiency syndrome. Last evaluated: 2021-08-31. Review status: criteria provided, single submitter. Criteria: Invitae Variant Classification Sherloc (09022015). Collection method: clinical testing. Allele origin: germline.
Comment: This sequence change replaces threonine with alanine at codon 123 of the GAMT protein (p.Thr123Ala). The threonine residue is highly conserved and there is a small physicochemical difference between threonine and alanine. This variant is present in population databases (rs771827261, ExAC 0.003%). This variant has not been reported in the literature in individuals affected with GAMT-related conditions. ClinVar contains an entry for this variant (Variation ID: 287314). Algorithms developed to predict the effect of missense changes on protein structure and function are either unavailable or do not agree on the potential impact of this missense change (SIFT: "Deleterious"; PolyPhen-2: "Benign"; Align-GVGD: "Class C0"). In summary, the available evidence is currently insufficient to determine the role of this variant in disease. Therefore, it has been classified as a Variant of Uncertain Significance.

GeneDx
Classification: Uncertain significance. Last evaluated: 2016-12-01. Review status: criteria provided, single submitter. Criteria: GeneDx Variant Classification (06012015). Collection method: clinical testing. Allele origin: germline. Affected: yes.
Comment: A variant of uncertain significance has been identified in the GAMT gene. The T123A variant has not been published as a pathogenic variant, nor has it been reported as a benign variant to our knowledge. The T123A variant is not observed at a significant frequency in large population cohorts (Lek et al., 2016; 1000 Genomes Consortium et al., 2015; Exome Variant Server). The T123A variant is a non-conservative amino acid substitution, which is likely to impact secondary protein structure as these residues differ in polarity, charge, size and/or other properties. This substitution occurs at a position that is conserved across species. In silico analysis is inconsistent in its predictions as to whether or not the variant is damaging to the protein structure/function. Based on the currently available information, it is unclear whether this variant is a pathogenic variant or a rare benign variant.

Eurofins Ntd Llc (ga)
Classification: Uncertain significance. Last evaluated: 2016-05-14. Review status: criteria provided, single submitter. Criteria: EGL Classification Definitions 2015. Collection method: clinical testing. Allele origin: germline. Observed: 1 variant allele, 1 heterozygote.

Natera, Inc.
Classification: Uncertain significance for Guanidinoacetate methyltransferase deficiency. Last evaluated: 2020-12-30. Review status: no assertion criteria provided. Collection method: clinical testing. Allele origin: germline. Not counted in ClinVar's aggregate classification.

NM_000156.6(GAMT):c.367A>G (p.Thr123Ala)

Gene: GAMT (guanidinoacetate N-methyltransferase; minus strand). Cytogenetic location: 19p13.3.
Variant type: single nucleotide variant.
Coding change: c.367A>G on transcript NM_000156.6 (MANE Select); coding-DNA position 367, A replaced by G.
Protein change: p.Thr123Ala; replaces threonine 123 with alanine.
Molecular consequence: missense variant.
Genome position (GRCh38, 1-based): chr19:1,399,548, T>C on the plus strand (A>G on the coding strand, the complement: GAMT is on the minus strand). VCF-style: chr19-1399548-T-C. GRCh37 (hg19) VCF-style: chr19-1399547-T-C.
Other names: c.367A>G, p.Thr123Ala (NM_138924.3); short protein forms T123A.
Identifiers: ClinVar variation 287314 (VCV000287314.7), dbSNP rs771827261, ClinGen allele CA9043709.